The following is an entry in ClinVar:

ClinVar aggregate classification (germline): Uncertain significance (1 of 4 stars; one submission).

Submission:

Labcorp Genetics (formerly Invitae), Labcorp
Classification: Uncertain significance. Last evaluated: 2024-03-02. Review status: criteria provided, single submitter. Criteria: Invitae Variant Classification Sherloc (09022015). Collection method: clinical testing. Allele origin: germline.
Comment: This variant, c.889_897del, results in the deletion of 3 amino acid(s) of the BRD4 protein (p.Pro297_Thr299del), but otherwise preserves the integrity of the reading frame. This variant is present in population databases (no rsID available, gnomAD 0.003%). This variant has not been reported in the literature in individuals affected with BRD4-related conditions. Experimental studies and prediction algorithms are not available or were not evaluated, and the functional significance of this variant is currently unknown. In summary, the available evidence is currently insufficient to determine the role of this variant in disease. Therefore, it has been classified as a Variant of Uncertain Significance.

NM_001379291.1(BRD4):c.889_897del (p.Pro297_Thr299del)

Gene: BRD4 (bromodomain containing 4; minus strand). Cytogenetic location: 19p13.12.
Variant type: Deletion.
Coding change: c.889_897del on transcript NM_001379291.1 (MANE Select); coding-DNA positions 889 to 897, 9 bases deleted (CCCACCACC; older notation c.889_897delCCCACCACC).
Protein change: p.Pro297_Thr299del.
Genome position (GRCh38, 1-based): chr19:15,264,719-15,264,727, GGTGGTGGG deleted on the plus strand (CCCACCACC on the coding strand, the reverse complement: BRD4 is on the minus strand); deleting any 9 consecutive bases within chr19:15,264,719-15,264,735 gives the same sequence; the c. name uses the placement nearest the transcript's 3' end. VCF-style (leftmost placement, unchanged base first): chr19-15264718-TGGTGGTGGG-T. GRCh37 (hg19) VCF-style: chr19-15375529-TGGTGGTGGG-T.
Other names: c.889_897del, p.Pro297_Thr299del (NM_001330384.2, NM_001379292.1, NM_014299.3 and 1 more transcripts).
Identifiers: ClinVar variation 3701535 (VCV003701535.2).